The following is an entry in ClinVar:

ClinVar aggregate classification (germline): Uncertain significance (1 of 4 stars; one submission).

Submission:

Labcorp Genetics (formerly Invitae), Labcorp
Classification: Uncertain significance. Last evaluated: 2022-05-04. Review status: criteria provided, single submitter. Criteria: Invitae Variant Classification Sherloc (09022015). Collection method: clinical testing. Allele origin: germline.
Comment: Algorithms developed to predict the effect of missense changes on protein structure and function (SIFT, PolyPhen-2, Align-GVGD) all suggest that this variant is likely to be disruptive. This variant has not been reported in the literature in individuals affected with TBX15-related conditions. This variant is not present in population databases (gnomAD no frequency). This sequence change replaces threonine, which is neutral and polar, with isoleucine, which is neutral and non-polar, at codon 169 of the TBX15 protein (p.Thr169Ile). In summary, the available evidence is currently insufficient to determine the role of this variant in disease. Therefore, it has been classified as a Variant of Uncertain Significance.

NM_001330677.2(TBX15):c.824C>T (p.Thr275Ile)

Gene: TBX15 (T-box transcription factor 15; minus strand). Cytogenetic location: 1p12.
Variant type: single nucleotide variant.
Coding change: c.824C>T on transcript NM_001330677.2 (MANE Select); coding-DNA position 824, C replaced by T.
Protein change: p.Thr275Ile; replaces threonine 275 with isoleucine.
Molecular consequence: missense variant.
Genome position (GRCh38, 1-based): chr1:118,923,473, G>A on the plus strand (C>T on the coding strand, the complement: TBX15 is on the minus strand). VCF-style: chr1-118923473-G-A. GRCh37 (hg19) VCF-style: chr1-119466096-G-A.
Other names: c.506C>T, p.Thr169Ile (NM_152380.3); short protein forms T169I, T275I.
Identifiers: ClinVar variation 2133654 (VCV002133654.4), dbSNP rs2526122546, ClinGen allele CA341434128.